The following is an entry in ClinVar:

ClinVar aggregate classification (germline): Benign/Likely benign. Review status: criteria provided, multiple submitters, no conflicts (2 of 4 stars). 3 submissions from 3 submitters: Benign (1); Likely benign (2). Last evaluated 2025-06-06.

Conditions:
XYLT2-related disorder. Also called: XYLT2-related condition.

Allele frequency attached by ClinVar (database versions not stated): ESP Exome Variant Server 0.00015.
gnomAD v4.1: 277 of 1,606,788 alleles (0.017%); highest among the groups gnomAD compares: Non-Finnish European, 0.0029%; no homozygotes.

Submissions (3):

Labcorp Genetics (formerly Invitae), Labcorp
Classification: Benign. Last evaluated: 2025-06-06. Review status: criteria provided, single submitter. Criteria: Invitae Variant Classification Sherloc (09022015). Collection method: clinical testing. Allele origin: germline.

Blueprint Genetics
Classification: Likely benign. Last evaluated: 2024-11-27. Review status: criteria provided, single submitter. Criteria: ACMG Guidelines, 2015. Collection method: clinical testing. Allele origin: germline.

PreventionGenetics, part of Exact Sciences
Classification: Likely benign for XYLT2-related condition. Last evaluated: 2024-11-04. Review status: criteria provided, single submitter. Criteria: ACMG Guidelines, 2015. Collection method: clinical testing. Allele origin: germline.
Comment: This variant is classified as likely benign based on ACMG/AMP sequence variant interpretation guidelines (Richards et al. 2015 PMID: 25741868, with internal and published modifications).

NM_022167.4(XYLT2):c.453C>T (p.Pro151=)

Gene: XYLT2 (xylosyltransferase 2; plus strand). Cytogenetic location: 17q21.33.
Variant type: single nucleotide variant.
Coding change: c.453C>T on transcript NM_022167.4 (MANE Select); coding-DNA position 453, C replaced by T.
Protein change: p.Pro151=; no amino-acid change (proline 151 retained).
Molecular consequence: synonymous variant.
Genome position (GRCh38, 1-based): chr17:50,353,947, C>T. VCF-style: chr17-50353947-C-T. GRCh37 (hg19) VCF-style: chr17-48431308-C-T.
Other names: c.453C>T (NM_022167.3).
Identifiers: ClinVar variation 1541876 (VCV001541876.10), dbSNP rs146157359, ClinGen allele CA8646168.